The following is an entry in ClinVar:

NM_004370.6(COL12A1):c.2354A>G (p.Asp785Gly)

Gene: COL12A1 (collagen type XII alpha 1 chain; minus strand). Cytogenetic location: 6q13.
Variant type: single nucleotide variant.
Coding change: c.2354A>G on transcript NM_004370.6 (MANE Select); coding-DNA position 2354, A replaced by G.
Protein change: p.Asp785Gly; replaces aspartic acid 785 with glycine.
Molecular consequence: missense variant. On other transcripts: intron variant (2).
Genome position (GRCh38, 1-based): chr6:75,177,746, T>C on the plus strand (A>G on the coding strand, the complement: COL12A1 is on the minus strand). VCF-style: chr6-75177746-T-C. GRCh37 (hg19) VCF-style: chr6-75887462-T-C.
Other names: c.73+24974A>G (NM_080645.3, NM_001424116.1); c.2354A>G, p.Asp785Gly (NM_001424113.1, NM_001424114.1, NM_001424115.1); short protein forms D785G.
Identifiers: ClinVar variation 2656707 (VCV002656707.24), dbSNP rs1769039429, ClinGen allele CA364763873.
Genomic context (GRCh38, chr6:75,177,746, plus strand): 5'-GTTAATGGAGTACCAGGTCCTGAGAAATATTCAGGAATTACAGATACTTCATATTTCGTG[T>C]CTGGAATCAAGTTCTCCAGTGTTCTCCTCCTCTGATTGGGTGGGGTGGTAACTTCTCTGC-3'
Protein context (NP_004361.3, residues 775-795): RRRTLENLIP[Asp785Gly]TKYEVSVIPE

ClinVar aggregate classification (germline): Uncertain significance (1 of 4 stars; one submission).

Allele frequency attached by ClinVar (database versions not stated): gnomAD exomes below 0.00001.
gnomAD v4.1: 1 of 1,614,158 alleles (0.000062%); highest among the groups gnomAD compares: South Asian, 0.0011%; no homozygotes.

Submission:

CeGaT Center for Human Genetics Tuebingen
Classification: Uncertain significance. Last evaluated: 2023-01-01. Review status: criteria provided, single submitter. Criteria: CeGaT Center For Human Genetics Tuebingen Variant Classification Criteria Version 2. Collection method: clinical testing. Allele origin: germline. Affected: yes. Observed: 1 variant allele.
Comment: COL12A1: PM2, BP4